The following is an entry in ClinVar:

ClinVar aggregate classification (germline): Likely benign. Review status: criteria provided, multiple submitters, no conflicts (2 of 4 stars). 2 submissions from 2 submitters: Likely benign (2). Last evaluated 2025-06-30.

Allele frequency attached by ClinVar (database versions not stated): gnomAD 0.00001; gnomAD exomes 0.00001; TOPMed 0.00002.
gnomAD v4.1: 11 of 1,613,528 alleles (0.00068%); highest among the groups gnomAD compares: Admixed American, 0.0017%; no homozygotes.

Submissions (2):

Labcorp Genetics (formerly Invitae), Labcorp
Classification: Likely benign. Last evaluated: 2025-06-30. Review status: criteria provided, single submitter. Criteria: Invitae Variant Classification Sherloc (09022015). Collection method: clinical testing. Allele origin: germline.

CeGaT Center for Human Genetics Tuebingen
Classification: Likely benign. Last evaluated: 2023-01-01. Review status: criteria provided, single submitter. Criteria: CeGaT Center For Human Genetics Tuebingen Variant Classification Criteria Version 2. Collection method: clinical testing. Allele origin: germline. Affected: yes. Observed: 1 variant allele.
Comment: CD164: BP4, BP7

NM_006016.6(CD164):c.282C>T (p.Asn94=)

Gene: CD164 (CD164 molecule; minus strand). Cytogenetic location: 6q21.
Variant type: single nucleotide variant.
Coding change: c.282C>T on transcript NM_006016.6 (MANE Select); coding-DNA position 282, C replaced by T.
Protein change: p.Asn94=; no amino-acid change (asparagine 94 retained).
Molecular consequence: synonymous variant.
Genome position (GRCh38, 1-based): chr6:109,377,949, G>A on the plus strand (C>T on the coding strand, the complement: CD164 is on the minus strand). VCF-style: chr6-109377949-G-A. GRCh37 (hg19) VCF-style: chr6-109699152-G-A.
Other names: c.282C>T, p.Asn94= (NM_001142401.3, NM_001142402.3, NM_001142403.3 and 1 more transcripts); c.180C>T, p.Asn60= (NM_001346500.2).
Identifiers: ClinVar variation 1610155 (VCV001610155.32), dbSNP rs1451115611, ClinGen allele CA451741886.